The following is an entry in ClinVar:

ClinVar aggregate classification (germline): Uncertain significance (1 of 4 stars; one submission).

Conditions:
Familial thoracic aortic aneurysm and aortic dissection (TAAD). Also called: Thoracic aortic aneurysms and dissections. Identifiers: Orphanet 91387, MedGen C4707243, MONDO:0019625.

Allele frequency attached by ClinVar (database versions not stated): gnomAD exomes below 0.00001.
gnomAD v4.1: 1 of 1,614,178 alleles (0.000062%); highest among the groups gnomAD compares: Non-Finnish European, 0.000085%; no homozygotes.

Submission:

Color Diagnostics, LLC DBA Color Health
Classification: Uncertain significance for Familial thoracic aortic aneurysm and aortic dissection. Last evaluated: 2024-03-06. Review status: criteria provided, single submitter. Criteria: ACMG Guidelines, 2015. Collection method: clinical testing. Allele origin: germline.
Comment: This missense variant replaces glutamic acid with lysine at codon 1370 of the MYH11 protein. Computational prediction suggests that this variant may have deleterious impact on protein structure and function (internally defined REVEL score threshold >= 0.7, PMID: 27666373). To our knowledge, functional studies have not been reported for this variant. This variant has not been reported in individuals affected with cardiovascular disorders in the literature. This variant has been identified in 1/250950 chromosomes in the general population by the Genome Aggregation Database (gnomAD). The available evidence is insufficient to determine the role of this variant in disease conclusively. Therefore, this variant is classified as a Variant of Uncertain Significance.

NM_002474.3(MYH11):c.4087G>A (p.Glu1363Lys)

Genes: MYH11 (myosin heavy chain 11; minus strand), NDE1 (nudE neurodevelopment protein 1; plus strand). Cytogenetic location: 16p13.11.
Variant type: single nucleotide variant.
Coding change: c.4087G>A on transcript NM_002474.3 (MANE Select); coding-DNA position 4087, G replaced by A.
Protein change: p.Glu1363Lys; replaces glutamic acid 1363 with lysine.
Molecular consequence: missense variant. On other transcripts: 3 prime UTR variant (2).
Genome position (GRCh38, 1-based): chr16:15,724,676, C>T on the plus strand (G>A on the coding strand, the complement: MYH11 is on the minus strand). VCF-style: chr16-15724676-C-T. GRCh37 (hg19) VCF-style: chr16-15818533-C-T.
Other names: c.4108G>A, p.Glu1370Lys (NM_001040113.2, NM_001040114.2); c.4087G>A, p.Glu1363Lys (NM_022844.3); c.*425C>T (NM_001143979.2, NM_017668.3); short protein forms E1363K, E1370K.
Identifiers: ClinVar variation 1171182 (VCV001171182.3), dbSNP rs1398265916, ClinGen allele CA394857880.